The following is an entry in ClinVar:

ClinVar aggregate classification (germline): Uncertain significance. Review status: criteria provided, multiple submitters, no conflicts (2 of 4 stars). 2 submissions from 2 submitters: Uncertain significance (2). Last evaluated 2025-08-27.

Conditions:
Hereditary cancer-predisposing syndrome. Also called: Neoplastic Syndromes, Hereditary; Hereditary Cancer Syndrome; Hereditary neoplastic syndrome; Tumor predisposition. Identifiers: Orphanet 140162, MedGen C0027672, MeSH D009386, MONDO:0015356.
Familial adenomatous polyposis 2. Also called: Adenomas, multiple colorectal; MUTYH Polyposis; COLORECTAL ADENOMATOUS POLYPOSIS, AUTOSOMAL RECESSIVE; ADENOMAS, MULTIPLE COLORECTAL, AUTOSOMAL RECESSIVE; FAP type 2; MUTYH-associated polyposis. Identifiers: Orphanet 220460, Orphanet 247798, MedGen C3272841, MONDO:0012041, OMIM 608456.

Submissions (2):

Ambry Genetics
Classification: Uncertain significance for Hereditary cancer-predisposing syndrome. Last evaluated: 2025-08-27. Review status: criteria provided, single submitter. Criteria: Ambry Variant Classification Scheme 2023. Collection method: clinical testing. Allele origin: germline.
Comment: The p.N42H variant (also known as c.124A>C), located in coding exon 2 of the MUTYH gene, results from an A to C substitution at nucleotide position 124. The asparagine at codon 42 is replaced by histidine, an amino acid with similar properties. This amino acid position is conserved. In addition, this alteration is predicted to be tolerated by in silico analysis. Based on the available evidence, the clinical significance of this variant remains unclear.

Labcorp Genetics (formerly Invitae), Labcorp
Classification: Uncertain significance for Familial adenomatous polyposis 2. Last evaluated: 2020-08-03. Review status: criteria provided, single submitter. Criteria: Invitae Variant Classification Sherloc (09022015). Collection method: clinical testing. Allele origin: germline.
Comment: In summary, the available evidence is currently insufficient to determine the role of this variant in disease. Therefore, it has been classified as a Variant of Uncertain Significance. Algorithms developed to predict the effect of missense changes on protein structure and function (SIFT, PolyPhen-2, Align-GVGD) all suggest that this variant is likely to be tolerated, but these predictions have not been confirmed by published functional studies and their clinical significance is uncertain. This variant has not been reported in the literature in individuals with MUTYH-related conditions. This variant is not present in population databases (ExAC no frequency). This sequence change replaces asparagine with histidine at codon 42 of the MUTYH protein (p.Asn42His). The asparagine residue is weakly conserved and there is a small physicochemical difference between asparagine and histidine.

NM_001048174.2(MUTYH):c.82A>C (p.Asn28His)

Gene: MUTYH (mutY DNA glycosylase; minus strand). Cytogenetic location: 1p34.1.
Variant type: single nucleotide variant.
Coding change: c.82A>C on transcript NM_001048174.2 (MANE Select); coding-DNA position 82, A replaced by C.
Protein change: p.Asn28His; replaces asparagine 28 with histidine.
Molecular consequence: missense variant. On other transcripts: 5 prime UTR variant (4), non-coding transcript variant (2).
Genome position (GRCh38, 1-based): chr1:45,334,424, T>G on the plus strand (A>C on the coding strand, the complement: MUTYH is on the minus strand). VCF-style: chr1-45334424-T-G. GRCh37 (hg19) VCF-style: chr1-45800096-T-G.
Other names: c.124A>C (NM_001128425.1); c.82A>C, p.Asn28His (NM_001048171.2, NM_001048172.2, NM_001048173.2 and 2 more transcripts); c.124A>C, p.Asn42His (NM_001128425.2, NM_001293190.2, NM_012222.3); c.-131A>C (NM_001293192.2, NM_001293196.2); c.-190A>C (NM_001350650.2); c.-126A>C (NM_001350651.2); short protein forms N28H, N42H.
Identifiers: ClinVar variation 1051665 (VCV001051665.10), dbSNP rs2149187667, ClinGen allele CA340137049.